The following is an entry in ClinVar:

NM_001378615.1(CC2D2A):c.845A>C (p.Glu282Ala)

Genes: CC2D2A (coiled-coil and C2 domain containing 2A; plus strand), FBXL5 (F-box and leucine rich repeat protein 5; minus strand). Cytogenetic location: 4p15.32.
Variant type: single nucleotide variant.
Coding change: c.845A>C on transcript NM_001378615.1 (MANE Select); coding-DNA position 845, A replaced by C.
Protein change: p.Glu282Ala; replaces glutamic acid 282 with alanine.
Molecular consequence: missense variant.
Genome position (GRCh38, 1-based): chr4:15,514,834, A>C. VCF-style: chr4-15514834-A-C. GRCh37 (hg19) VCF-style: chr4-15516457-A-C.
Other names: c.845A>C, p.Glu282Ala (NM_001080522.2); c.698A>C, p.Glu233Ala (NM_001378617.1); short protein forms E233A, E282A.
Identifiers: ClinVar variation 1470473 (VCV001470473.10), dbSNP rs760099299, ClinGen allele CA2863504.
Genomic context (GRCh38, chr4:15,514,834, plus strand): 5'-ACGATTTTGTAGCAGTCAGACCTGCAGATTATGAAAGCATCCATGATCGGCTGCAGATGG[A>C]AAGAGAAATGCTCTTCATACCCAGTAGGCAGACAGGTACTTGCTCTTTTTATTTTCTTGT-3'
Protein context (NP_001365544.1, residues 272-292): YESIHDRLQM[Glu282Ala]REMLFIPSRQ

ClinVar aggregate classification (germline): Conflicting classifications of pathogenicity. Review status: criteria provided, conflicting classifications (1 of 4 stars). 3 submissions from 3 submitters: Uncertain significance (2); Likely benign (1). Last evaluated 2025-12-17.

Conditions:
Joubert syndrome. Also called: JOUBERT-BOLTSHAUSER SYNDROME; Familial aplasia of the vermis. Identifiers: Orphanet 475, MedGen C5979921, MONDO:0018772.
Meckel-Gruber syndrome. Also called: DYSENCEPHALIA SPLANCHNOCYSTICA; GRUBER SYNDROME; Dysencephalia splachnocystica. Identifiers: Orphanet 564, MedGen C0265215, MONDO:0018921.
Inborn genetic diseases. Identifiers: MedGen C0950123, MeSH D030342.

Allele frequency attached by ClinVar (database versions not stated): ExAC 0.00002; gnomAD exomes 0.00002; gnomAD 0.00005; TOPMed 0.00005.
gnomAD v4.1: 43 of 1,613,826 alleles (0.0027%); highest among the groups gnomAD compares: African/African-American, 0.008%; no homozygotes.

Submissions (3):

Labcorp Genetics (formerly Invitae), Labcorp
Classification: Likely benign for Joubert syndrome; Meckel-Gruber syndrome. Last evaluated: 2025-12-17. Review status: criteria provided, single submitter. Criteria: Invitae Variant Classification Sherloc (09022015). Collection method: clinical testing. Allele origin: germline.

Ambry Genetics
Classification: Uncertain significance for Inborn genetic diseases. Last evaluated: 2025-03-16. Review status: criteria provided, single submitter. Criteria: Ambry Variant Classification Scheme 2023. Collection method: clinical testing. Allele origin: germline.

Greenwood Genetic Center Diagnostic Laboratories, Greenwood Genetic Center
Classification: Uncertain significance. Last evaluated: 2022-12-13. Review status: criteria provided, single submitter. Criteria: ACMG Guidelines, 2015. Collection method: clinical testing. Allele origin: germline. Affected: yes.
Comment: PM2